The following is an entry in ClinVar:

ClinVar aggregate classification (germline): Benign. Review status: reviewed by expert panel (3 of 4 stars). 5 submissions from 5 submitters: Benign (1). 4 of the submissions do not count toward it. Last evaluated 2015-01-12.

Conditions:
Breast-ovarian cancer, familial, susceptibility to, 1 (BROVCA1). Also called: BRCA1 Hereditary Breast and Ovarian Cancer; OVARIAN CANCER, SUSCEPTIBILITY TO. Identifiers: Orphanet 145, MedGen C2676676, MONDO:0011450, OMIM 604370. Disease mechanism: loss of function.

Allele frequency attached by ClinVar (database versions not stated): gnomAD 0.45307 and 0.45393; TOPMed 0.45502; 1000 Genomes Project 0.50240; 1000 Genomes Project 30x 0.50406.
gnomAD v4.1: 299,570 of 775,348 alleles (39%); highest among the groups gnomAD compares: African/African-American, 69%; 62,443 homozygotes.

Submissions (5):

Evidence-based Network for the Interpretation of Germline Mutant Alleles (ENIGMA)
Classification: Benign for Breast-ovarian cancer, familial 1. Last evaluated: 2015-01-12. Review status: reviewed by expert panel. Criteria: ENIGMA BRCA1/2 Classification Criteria (2015). Collection method: curation. Allele origin: germline.
Comment: Class 1 not pathogenic based on frequency >1% in an outbred sampleset. Frequency 0.3304 (Asian), 0.2846 (African), 0.3668 (European), derived from 1000 genomes (2012-04-30).

GeneDx
Classification: Benign. Last evaluated: 2018-06-23. Review status: criteria provided, single submitter. Criteria: GeneDx Variant Classification Process June 2021. Collection method: clinical testing. Allele origin: germline. Affected: yes. Not counted in ClinVar's aggregate classification.

GeneKor MSA
Classification: Benign. Last evaluated: 2017-11-01. Review status: criteria provided, single submitter. Criteria: ACMG Guidelines, 2015. Collection method: clinical testing. Allele origin: germline. Affected: yes. Not counted in ClinVar's aggregate classification.

Clinical Genetics Laboratory, Department of Pathology, Netherlands Cancer Institute
Classification: Benign. Review status: no assertion criteria provided. Collection method: clinical testing. Allele origin: germline. Affected: yes. Study: VKGL Data-share Consensus. Not counted in ClinVar's aggregate classification.

Genome Diagnostics Laboratory, University Medical Center Utrecht
Classification: Benign. Review status: no assertion criteria provided. Collection method: clinical testing. Allele origin: germline. Affected: yes. Study: VKGL Data-share Consensus. Not counted in ClinVar's aggregate classification.

NM_007294.4(BRCA1):c.4485-137T>A

Gene: BRCA1 (BRCA1 DNA repair associated; minus strand). Cytogenetic location: 17q21.31.
Variant type: single nucleotide variant.
Coding change: c.4485-137T>A on transcript NM_007294.4 (MANE Select); 137 bases into the intron before coding-DNA position 4485, T replaced by A.
Molecular consequence: intron variant.
Genome position (GRCh38, 1-based): chr17:43,074,658, A>T on the plus strand (T>A on the coding strand, the complement: BRCA1 is on the minus strand). VCF-style: chr17-43074658-A-T. GRCh37 (hg19) VCF-style: chr17-41226675-A-T.
Other names: IVS 14-137T>A; c.4425-137T>A (NM_001407649.1); c.1170-137T>A (NM_001408401.1, NM_001408396.1, NM_001408404.1 and 8 more transcripts); c.1173-137T>A (NM_001407985.1, NM_001408472.1, NM_001407990.1 and 12 more transcripts); c.4476-137T>A (NM_001407644.1, NM_001407645.1); c.4479-137T>A (NM_001407627.1, NM_001407861.1, NM_001407635.1 and 14 more transcripts); c.4482-137T>A (NM_001407614.1, NM_001407626.1, NM_001407617.1 and 17 more transcripts); c.4548-137T>A (NM_001407587.1, NM_001407585.1, NM_007300.4 and 1 more transcripts); and 72 more.
Identifiers: ClinVar variation 209375 (VCV000209375.3), dbSNP rs2236762, ClinGen allele CA276347.